The following is an entry in ClinVar:

NM_002775.5(HTRA1):c.929G>C (p.Arg310Pro)

Gene: HTRA1 (HtrA serine peptidase 1; plus strand). Cytogenetic location: 10q26.13.
Variant type: single nucleotide variant.
Coding change: c.929G>C on transcript NM_002775.5 (MANE Select); coding-DNA position 929, G replaced by C.
Protein change: p.Arg310Pro; replaces arginine 310 with proline.
Molecular consequence: missense variant.
Genome position (GRCh38, 1-based): chr10:122,506,842, G>C. VCF-style: chr10-122506842-G-C. GRCh37 (hg19) VCF-style: chr10-124266358-G-C.
Other names: short protein forms R310P.
Identifiers: ClinVar variation 4848768 (VCV004848768.1).

ClinVar aggregate classification (germline): Uncertain significance (1 of 4 stars; one submission).

Submission:

Women's Health and Genetics/Laboratory Corporation of America, LabCorp
Classification: Uncertain significance. Last evaluated: 2026-04-07. Review status: criteria provided, single submitter. Criteria: LabCorp Variant Classification Summary - May 2015. Collection method: clinical testing. Allele origin: germline.
Comment: Variant summary: HTRA1 c.929G>C (p.Arg310Pro) results in a non-conservative amino acid change in the encoded protein sequence. Algorithms developed to predict the effect of missense changes on protein structure and function all suggest that this variant is likely to be disruptive. The variant was absent in 251094 control chromosomes. The available data on variant occurrences in the general population are insufficient to allow any conclusion about variant significance. To our knowledge, no occurrence of c.929G>C in individuals affected with HTRA1-related conditions and no experimental evidence demonstrating its impact on protein function have been reported. No submitters have cited clinical-significance assessments for this variant to ClinVar. Based on the evidence outlined above, the variant was classified as uncertain significance.